The following is an entry in ClinVar:

ClinVar aggregate classification (germline): Uncertain significance (1 of 4 stars; one submission).

Submission:

Labcorp Genetics (formerly Invitae), Labcorp
Classification: Uncertain significance. Last evaluated: 2025-07-03. Review status: criteria provided, single submitter. Criteria: Invitae Variant Classification Sherloc (09022015). Collection method: clinical testing. Allele origin: germline.
Comment: This sequence change replaces alanine, which is neutral and non-polar, with serine, which is neutral and polar, at codon 37 of the BICC1 protein (p.Ala37Ser). This variant is not present in population databases (gnomAD no frequency). This variant has not been reported in the literature in individuals affected with BICC1-related conditions. An algorithm developed to predict the effect of missense changes on protein structure and function (PolyPhen-2) suggests that this variant is likely to be tolerated. In summary, the available evidence is currently insufficient to determine the role of this variant in disease. Therefore, it has been classified as a Variant of Uncertain Significance.

NM_001080512.3(BICC1):c.109G>T (p.Ala37Ser)

Gene: BICC1 (BicC family RNA binding protein 1; plus strand). Cytogenetic location: 10q21.1.
Variant type: single nucleotide variant.
Coding change: c.109G>T on transcript NM_001080512.3 (MANE Select); coding-DNA position 109, G replaced by T.
Protein change: p.Ala37Ser; replaces alanine 37 with serine.
Molecular consequence: missense variant.
Genome position (GRCh38, 1-based): chr10:58,513,252, G>T. VCF-style: chr10-58513252-G-T. GRCh37 (hg19) VCF-style: chr10-60273012-G-T.
Other names: short protein forms A37S.
Identifiers: ClinVar variation 4754075 (VCV004754075.1).